The following is an entry in ClinVar:

NM_000554.6(CRX):c.632C>T (p.Pro211Leu)

Gene: CRX (cone-rod homeobox; plus strand). Cytogenetic location: 19q13.33.
Variant type: single nucleotide variant.
Coding change: c.632C>T on transcript NM_000554.6 (MANE Select); coding-DNA position 632, C replaced by T.
Protein change: p.Pro211Leu; replaces proline 211 with leucine.
Molecular consequence: missense variant.
Genome position (GRCh38, 1-based): chr19:47,839,699, C>T. VCF-style: chr19-47839699-C-T. GRCh37 (hg19) VCF-style: chr19-48342956-C-T.
Other names: short protein forms P211L.
Identifiers: ClinVar variation 1481939 (VCV001481939.9), dbSNP rs559042370, ClinGen allele CA9544537.

ClinVar aggregate classification (germline): Uncertain significance. Review status: criteria provided, multiple submitters, no conflicts (2 of 4 stars). 2 submissions from 2 submitters: Uncertain significance (2). Last evaluated 2024-04-05.

Conditions:
Cone-rod dystrophy 2 (CORD2). Also called: CONE-ROD RETINAL DYSTROPHY; Cone-rod retinal dystrophy 2. Identifiers: Orphanet 1872, MedGen C3489532, MONDO:0007362, OMIM 120970.
Leber congenital amaurosis 7 (LCA7). Identifiers: Orphanet 65, MedGen C3151192, MONDO:0013449, OMIM 613829.

Allele frequency attached by ClinVar (database versions not stated): TOPMed below 0.00001; gnomAD 0.00001; ExAC 0.00002; gnomAD exomes 0.00002; 1000 Genomes Project 30x 0.00016; 1000 Genomes Project 0.00020.
gnomAD v4.1: 29 of 1,613,976 alleles (0.0018%); highest among the groups gnomAD compares: Middle Eastern, 0.016%; no homozygotes.

Submissions (2):

Blueprint Genetics
Classification: Uncertain significance. Last evaluated: 2024-04-05. Review status: criteria provided, single submitter. Criteria: ACMG Guidelines, 2015. Collection method: clinical testing. Allele origin: germline.

Labcorp Genetics (formerly Invitae), Labcorp
Classification: Uncertain significance for Cone-rod dystrophy 2; Leber congenital amaurosis 7. Last evaluated: 2021-04-23. Review status: criteria provided, single submitter. Criteria: Invitae Variant Classification Sherloc (09022015). Collection method: clinical testing. Allele origin: germline.
Comment: This sequence change replaces proline with leucine at codon 211 of the CRX protein (p.Pro211Leu). The proline residue is highly conserved and there is a moderate physicochemical difference between proline and leucine. This variant is present in population databases (rs559042370, ExAC 0.006%). This variant has not been reported in the literature in individuals with CRX-related conditions. Algorithms developed to predict the effect of missense changes on protein structure and function (SIFT, PolyPhen-2, Align-GVGD) all suggest that this variant is likely to be disruptive, but these predictions have not been confirmed by published functional studies and their clinical significance is uncertain. In summary, the available evidence is currently insufficient to determine the role of this variant in disease. Therefore, it has been classified as a Variant of Uncertain Significance.